The following is an entry in ClinVar:

NM_020937.4(FANCM):c.5872G>T (p.Gly1958Cys)

Gene: FANCM (FA complementation group M; plus strand). Cytogenetic location: 14q21.2.
Variant type: single nucleotide variant.
Coding change: c.5872G>T on transcript NM_020937.4 (MANE Select); coding-DNA position 5872, G replaced by T.
Protein change: p.Gly1958Cys; replaces glycine 1958 with cysteine.
Molecular consequence: missense variant.
Genome position (GRCh38, 1-based): chr14:45,198,799, G>T. VCF-style: chr14-45198799-G-T. GRCh37 (hg19) VCF-style: chr14-45668002-G-T.
Other names: c.5794G>T, p.Gly1932Cys (NM_001308133.2); c.5872G>T (NM_020937.2); short protein forms G1932C, G1958C.
Identifiers: ClinVar variation 830265 (VCV000830265.9), dbSNP rs1441113303, ClinGen allele CA389587155.

ClinVar aggregate classification (germline): Uncertain significance. Review status: criteria provided, multiple submitters, no conflicts (2 of 4 stars). 4 submissions from 4 submitters: Uncertain significance (4). Last evaluated 2025-01-30.

Conditions:
Inborn genetic diseases. Identifiers: MedGen C0950123, MeSH D030342.
Spermatogenic failure 28. Identifiers: MedGen C4748117, MONDO:0054732, OMIM 618086.
Premature ovarian failure 15. Identifiers: MedGen C4748170, MONDO:0054862, OMIM 618096.
Hereditary breast ovarian cancer syndrome. Also called: Hereditary breast and/or ovarian cancer syndrome; Hereditary breast and ovarian cancer syndrome (HBOC); Breast and ovarian cancer; Hereditary breast and ovarian cancer; BRCA1- and BRCA2-Associated Hereditary Breast and Ovarian Cancer; Hereditary breast and ovarian cancer syndrome. Identifiers: Orphanet 145, MedGen C0677776, MeSH D061325, MONDO:0003582. Disease mechanism: loss of function.
Fanconi anemia (FA). Also called: Fanconi's anemia. Identifiers: Orphanet 84, MedGen C0015625, MeSH D005199, MONDO:0019391.

Allele frequency attached by ClinVar (database versions not stated): TOPMed 0.00001; gnomAD exomes 0.00003.

Submissions (4):

Ambry Genetics
Classification: Uncertain significance for Inborn genetic diseases. Last evaluated: 2025-01-30. Review status: criteria provided, single submitter. Criteria: Ambry Variant Classification Scheme 2023. Collection method: clinical testing. Allele origin: germline.
Comment: The p.G1958C variant (also known as c.5872G>T), located in coding exon 22 of the FANCM gene, results from a G to T substitution at nucleotide position 5872. The glycine at codon 1958 is replaced by cysteine, an amino acid with highly dissimilar properties. This amino acid position is conserved. In addition, the in silico prediction for this alteration is inconclusive. Based on the available evidence, the clinical significance of this variant remains unclear.

Fulgent Genetics
Classification: Uncertain significance for Spermatogenic failure 28; Premature ovarian failure 15. Last evaluated: 2024-03-18. Review status: criteria provided, single submitter. Criteria: ACMG Guidelines, 2015. Collection method: clinical testing. Allele origin: germline.

Labcorp Genetics (formerly Invitae), Labcorp
Classification: Uncertain significance for Fanconi anemia. Last evaluated: 2022-08-15. Review status: criteria provided, single submitter. Criteria: Invitae Variant Classification Sherloc (09022015). Collection method: clinical testing. Allele origin: germline.
Comment: In summary, the available evidence is currently insufficient to determine the role of this variant in disease. Therefore, it has been classified as a Variant of Uncertain Significance. Algorithms developed to predict the effect of missense changes on protein structure and function are either unavailable or do not agree on the potential impact of this missense change (SIFT: "Deleterious"; PolyPhen-2: "Probably Damaging"; Align-GVGD: "Class C0"). ClinVar contains an entry for this variant (Variation ID: 830265). This variant has not been reported in the literature in individuals affected with FANCM-related conditions. This variant is not present in population databases (gnomAD no frequency). This sequence change replaces glycine, which is neutral and non-polar, with cysteine, which is neutral and slightly polar, at codon 1958 of the FANCM protein (p.Gly1958Cys).

Cancer Genomics Group, Japanese Foundation For Cancer Research
Classification: Uncertain significance for Hereditary breast and ovarian cancer syndrome. Last evaluated: 2019-05-01. Review status: criteria provided, single submitter. Criteria: ACMG Guidelines, 2015. Collection method: research. Allele origin: germline. Affected: yes.